The following is an entry in ClinVar:

ClinVar aggregate classification (germline): Uncertain significance (1 of 4 stars; one submission).

Conditions:
Developmental and epileptic encephalopathy, 30 (DEE30). Also called: Epileptic encephalopathy, early infantile, 30. Identifiers: MedGen C4225360, MONDO:0014595, OMIM 616341.

Submission:

Labcorp Genetics (formerly Invitae), Labcorp
Classification: Uncertain significance for Developmental and epileptic encephalopathy, 30. Last evaluated: 2024-12-12. Review status: criteria provided, single submitter. Criteria: Invitae Variant Classification Sherloc (09022015). Collection method: clinical testing. Allele origin: germline.
Comment: This sequence change replaces proline, which is neutral and non-polar, with serine, which is neutral and polar, at codon 391 of the SIK1 protein (p.Pro391Ser). This variant is present in population databases (rs767792479, gnomAD 0.003%). This variant has not been reported in the literature in individuals affected with SIK1-related conditions. Invitae Evidence Modeling of protein sequence and biophysical properties (such as structural, functional, and spatial information, amino acid conservation, physicochemical variation, residue mobility, and thermodynamic stability) indicates that this missense variant is not expected to disrupt SIK1 protein function with a negative predictive value of 95%. In summary, the available evidence is currently insufficient to determine the role of this variant in disease. Therefore, it has been classified as a Variant of Uncertain Significance.

NM_173354.5(SIK1):c.1171C>T (p.Pro391Ser)

Gene: SIK1 (salt inducible kinase 1; minus strand). Cytogenetic location: 21q22.3.
Variant type: single nucleotide variant.
Coding change: c.1171C>T on transcript NM_173354.5 (MANE Select); coding-DNA position 1171, C replaced by T.
Protein change: p.Pro391Ser; replaces proline 391 with serine.
Molecular consequence: missense variant.
Genome position (GRCh38, 1-based): chr21:43,419,427, G>A on the plus strand (C>T on the coding strand, the complement: SIK1 is on the minus strand). VCF-style: chr21-43419427-G-A. GRCh37 (hg19) VCF-style: chr21-44839307-G-A.
Other names: short protein forms P391S.
Identifiers: ClinVar variation 3637833 (VCV003637833.2).